The following is an entry in ClinVar:

ClinVar aggregate classification (germline): Uncertain significance. Review status: criteria provided, multiple submitters, no conflicts (2 of 4 stars). 2 submissions from 2 submitters: Uncertain significance (2). Last evaluated 2024-12-09.

Conditions:
Inborn genetic diseases. Identifiers: MedGen C0950123, MeSH D030342.

Allele frequency attached by ClinVar (database versions not stated): gnomAD exomes 0.00001.
gnomAD v4.1: 10 of 1,614,202 alleles (0.00062%); highest among the groups gnomAD compares: Admixed American, 0.0033%; no homozygotes.

Submissions (2):

Labcorp Genetics (formerly Invitae), Labcorp
Classification: Uncertain significance. Last evaluated: 2024-12-09. Review status: criteria provided, single submitter. Criteria: Invitae Variant Classification Sherloc (09022015). Collection method: clinical testing. Allele origin: germline.
Comment: This sequence change replaces isoleucine, which is neutral and non-polar, with valine, which is neutral and non-polar, at codon 251 of the DHCR24 protein (p.Ile251Val). This variant is present in population databases (no rsID available, gnomAD 0.0009%). This variant has not been reported in the literature in individuals affected with DHCR24-related conditions. ClinVar contains an entry for this variant (Variation ID: 1909588). Invitae Evidence Modeling of protein sequence and biophysical properties (such as structural, functional, and spatial information, amino acid conservation, physicochemical variation, residue mobility, and thermodynamic stability) indicates that this missense variant is not expected to disrupt DHCR24 protein function with a negative predictive value of 80%. In summary, the available evidence is currently insufficient to determine the role of this variant in disease. Therefore, it has been classified as a Variant of Uncertain Significance.

Ambry Genetics
Classification: Uncertain significance for Inborn genetic diseases. Last evaluated: 2022-04-07. Review status: criteria provided, single submitter. Criteria: Ambry Variant Classification Scheme 2023. Collection method: clinical testing. Allele origin: germline.

NM_014762.4(DHCR24):c.751A>G (p.Ile251Val)

Gene: DHCR24 (24-dehydrocholesterol reductase; minus strand). Cytogenetic location: 1p32.3.
Variant type: single nucleotide variant.
Coding change: c.751A>G on transcript NM_014762.4 (MANE Select); coding-DNA position 751, A replaced by G.
Protein change: p.Ile251Val; replaces isoleucine 251 with valine.
Molecular consequence: missense variant.
Genome position (GRCh38, 1-based): chr1:54,871,475, T>C on the plus strand (A>G on the coding strand, the complement: DHCR24 is on the minus strand). VCF-style: chr1-54871475-T-C. GRCh37 (hg19) VCF-style: chr1-55337148-T-C.
Other names: short protein forms I251V.
Identifiers: ClinVar variation 1909588 (VCV001909588.6), dbSNP rs768999622, ClinGen allele CA340457737.